The following is an entry in ClinVar:

NM_001378454.1(ALMS1):c.11797C>T (p.Arg3933Cys)

Gene: ALMS1 (ALMS1 centrosome and basal body associated protein; plus strand). Cytogenetic location: 2p13.1.
Variant type: single nucleotide variant.
Coding change: c.11797C>T on transcript NM_001378454.1 (MANE Select); coding-DNA position 11797, C replaced by T.
Protein change: p.Arg3933Cys; replaces arginine 3933 with cysteine.
Molecular consequence: missense variant.
Genome position (GRCh38, 1-based): chr2:73,600,806, C>T. VCF-style: chr2-73600806-C-T. GRCh37 (hg19) VCF-style: chr2-73827933-C-T.
Other names: c.11800C>T, p.Arg3934Cys (NM_015120.4); short protein forms R3933C, R3934C.
Identifiers: ClinVar variation 1357643 (VCV001357643.6), dbSNP rs1356118595, ClinGen allele CA347264611.

ClinVar aggregate classification (germline): Uncertain significance. Review status: criteria provided, multiple submitters, no conflicts (2 of 4 stars). 3 submissions from 3 submitters: Uncertain significance (3). Last evaluated 2026-08-06.

Conditions:
Cardiovascular phenotype. Identifiers: MedGen CN230736.
Alstrom syndrome (ALMS). Identifiers: Orphanet 64, MedGen C0268425, MONDO:0008763, OMIM 203800.

Allele frequency attached by ClinVar (database versions not stated): gnomAD exomes below 0.00001; gnomAD 0.00001; TOPMed 0.00002.
gnomAD v4.1: 14 of 1,614,000 alleles (0.00087%); highest among the groups gnomAD compares: African/African-American, 0.0027%; no homozygotes.

Submissions (3):

GeneDx
Classification: Uncertain significance. Last evaluated: 2026-08-06. Review status: criteria provided, single submitter. Criteria: GeneDx Variant Classification Process June 2021. Collection method: clinical testing. Allele origin: germline.
Comment: Not observed at significant frequency in large population cohorts (gnomAD); In silico analysis suggests that this missense variant does not alter protein structure/function; Has not been previously published as pathogenic or benign to our knowledge

Ambry Genetics
Classification: Uncertain significance for Cardiovascular phenotype. Last evaluated: 2022-11-23. Review status: criteria provided, single submitter. Criteria: Ambry Variant Classification Scheme 2023. Collection method: clinical testing. Allele origin: germline.
Comment: The p.R3934C variant (also known as c.11800C>T), located in coding exon 18 of the ALMS1 gene, results from a C to T substitution at nucleotide position 11800. The arginine at codon 3934 is replaced by cysteine, an amino acid with highly dissimilar properties. This amino acid position is poorly conserved in available vertebrate species. In addition, this alteration is predicted to be tolerated by in silico analysis. Since supporting evidence is limited at this time, the clinical significance of this alteration remains unclear.

Labcorp Genetics (formerly Invitae), Labcorp
Classification: Uncertain significance for Alstrom syndrome. Last evaluated: 2022-06-12. Review status: criteria provided, single submitter. Criteria: Invitae Variant Classification Sherloc (09022015). Collection method: clinical testing. Allele origin: germline.
Comment: This sequence change replaces arginine, which is basic and polar, with cysteine, which is neutral and slightly polar, at codon 3934 of the ALMS1 protein (p.Arg3934Cys). This variant is not present in population databases (gnomAD no frequency). This variant has not been reported in the literature in individuals affected with ALMS1-related conditions. In summary, the available evidence is currently insufficient to determine the role of this variant in disease. Therefore, it has been classified as a Variant of Uncertain Significance.